The following is an entry in ClinVar:

ClinVar aggregate classification (germline): Uncertain significance (1 of 4 stars; one submission).

Conditions:
Hereditary cancer-predisposing syndrome. Also called: Neoplastic Syndromes, Hereditary; Tumor predisposition; Hereditary Cancer Syndrome; Hereditary neoplastic syndrome. Identifiers: Orphanet 140162, MedGen C0027672, MeSH D009386, MONDO:0015356.

Submission:

Ambry Genetics
Classification: Uncertain significance for Hereditary cancer-predisposing syndrome. Last evaluated: 2026-04-28. Review status: criteria provided, single submitter. Criteria: Ambry Variant Classification Scheme 2023. Collection method: clinical testing. Allele origin: germline.
Comment: The p.D124G variant (also known as c.371A>G), located in coding exon 1 of the AXIN2 gene, results from an A to G substitution at nucleotide position 371. The aspartic acid at codon 124 is replaced by glycine, an amino acid with similar properties. This amino acid position is highly conserved in available vertebrate species. In addition, the in silico prediction for this alteration is inconclusive. Based on the available evidence, the clinical significance of this variant remains unclear.

NM_004655.4(AXIN2):c.371A>G (p.Asp124Gly)

Gene: AXIN2 (axin 2; minus strand). Cytogenetic location: 17q24.1.
Variant type: single nucleotide variant.
Coding change: c.371A>G on transcript NM_004655.4 (MANE Select); coding-DNA position 371, A replaced by G.
Protein change: p.Asp124Gly; replaces aspartic acid 124 with glycine.
Molecular consequence: missense variant.
Genome position (GRCh38, 1-based): chr17:65,558,250, T>C on the plus strand (A>G on the coding strand, the complement: AXIN2 is on the minus strand). VCF-style: chr17-65558250-T-C. GRCh37 (hg19) VCF-style: chr17-63554368-T-C.
Other names: c.371A>G, p.Asp124Gly (NM_001363813.1); short protein forms D124G.
Identifiers: ClinVar variation 4867305 (VCV004867305.1).